The following is an entry in ClinVar:

ClinVar aggregate classification (germline): Likely pathogenic (1 of 4 stars; one submission).

Conditions:
Neurofibromatosis, type 1 (NF1). Also called: Peripheral type neurofibromatosis; VON RECKLINGHAUSEN DISEASE; NEUROFIBROMATOSIS, TYPE I, SOMATIC; Neurofibromatosis, type I. Identifiers: Orphanet 636, MedGen C0027831, MONDO:0018975, OMIM 162200. Disease mechanism: loss of function.

Submission:

Labcorp Genetics (formerly Invitae), Labcorp
Classification: Likely pathogenic for Neurofibromatosis, type 1. Last evaluated: 2022-05-19. Review status: criteria provided, single submitter. Criteria: Invitae Variant Classification Sherloc (09022015). Collection method: clinical testing. Allele origin: germline.
Comment: This variant results in a copy number gain of the genomic region encompassing exon(s) 21-29 of the NF1 gene. While the exact position of this variant cannot be determined from the data, sub-genic copy number gains are generally in tandem (PMID: 25640679). This variant is predicted to be out-of-frame, and may result in an absent or disrupted protein product. Loss-of-function variants in NF1 are known to be pathogenic (PMID: 10712197, 23913538). This variant has not been reported in the literature in individuals affected with NF1-related conditions. In summary, the currently available evidence indicates that the variant is pathogenic, but additional data are needed to prove that conclusively. Therefore, this variant has been classified as Likely Pathogenic.

Literature cited by the submitters: PubMed 25640679; PubMed 10712197; PubMed 23913538.

NC_000017.10:g.(?_29556023)_(29563059_?)dup

Gene: NF1 (neurofibromin 1; plus strand). Cytogenetic location: 17q11.2.
Variant type: Duplication.
Identifiers: ClinVar variation 2422736 (VCV002422736.4).